The following is an entry in ClinVar:

ClinVar aggregate classification (germline): Uncertain significance (1 of 4 stars; one submission).

gnomAD v4.1: 52 of 1,545,636 alleles (0.0034%); highest among the groups gnomAD compares: Middle Eastern, 0.11%; no homozygotes.

Submission:

Labcorp Genetics (formerly Invitae), Labcorp
Classification: Uncertain significance. Last evaluated: 2024-09-02. Review status: criteria provided, single submitter. Criteria: Invitae Variant Classification Sherloc (09022015). Collection method: clinical testing. Allele origin: germline.
Comment: This sequence change replaces arginine, which is basic and polar, with tryptophan, which is neutral and slightly polar, at codon 1886 of the MYH14 protein (p.Arg1886Trp). This variant is present in population databases (rs772329850, gnomAD 0.004%). This variant has not been reported in the literature in individuals affected with MYH14-related conditions. Invitae Evidence Modeling of protein sequence and biophysical properties (such as structural, functional, and spatial information, amino acid conservation, physicochemical variation, residue mobility, and thermodynamic stability) indicates that this missense variant is expected to disrupt MYH14 protein function with a positive predictive value of 80%. In summary, the available evidence is currently insufficient to determine the role of this variant in disease. Therefore, it has been classified as a Variant of Uncertain Significance.

NM_001145809.2(MYH14):c.5779C>T (p.Arg1927Trp)

Gene: MYH14 (myosin heavy chain 14; plus strand). Cytogenetic location: 19q13.33.
Variant type: single nucleotide variant.
Coding change: c.5779C>T on transcript NM_001145809.2 (MANE Select); coding-DNA position 5779, C replaced by T.
Protein change: p.Arg1927Trp; replaces arginine 1927 with tryptophan.
Molecular consequence: missense variant.
Genome position (GRCh38, 1-based): chr19:50,307,149, C>T. VCF-style: chr19-50307149-C-T. GRCh37 (hg19) VCF-style: chr19-50810406-C-T.
Other names: c.5680C>T, p.Arg1894Trp (NM_001077186.2); c.5656C>T, p.Arg1886Trp (NM_024729.4); short protein forms R1894W, R1927W, R1886W.
Identifiers: ClinVar variation 3711241 (VCV003711241.2).